The following is an entry in ClinVar:

NM_053025.4(MYLK):c.590G>A (p.Gly197Glu)

Gene: MYLK (myosin light chain kinase; minus strand). Cytogenetic location: 3q21.1.
Variant type: single nucleotide variant.
Coding change: c.590G>A on transcript NM_053025.4 (MANE Select); coding-DNA position 590, G replaced by A.
Protein change: p.Gly197Glu; replaces glycine 197 with glutamic acid.
Molecular consequence: missense variant.
Genome position (GRCh38, 1-based): chr3:123,737,542, C>T on the plus strand (G>A on the coding strand, the complement: MYLK is on the minus strand). VCF-style: chr3-123737542-C-T. GRCh37 (hg19) VCF-style: chr3-123456389-C-T.
Other names: c.62G>A, p.Gly21Glu (NM_001321309.2); c.590G>A, p.Gly197Glu (NM_053026.4, NM_053027.4, NM_053028.4); short protein forms G21E, G197E.
Identifiers: ClinVar variation 3012389 (VCV003012389.3), dbSNP rs2062719777, ClinGen allele CA354241088.
Genomic context (GRCh38, chr3:123,737,542, plus strand): 5'-ACCTGCATGCCGTTCTTCTCAGACACAGACACACGGGCACTCGGCTGCAGTGGAACATTT[C>T]CCTGTGGATGGCAATGGGGTAACTTGGTCATACAAATCTGCTCACCTTCTGGCTGTGTCC-3'
Protein context (NP_444253.3, residues 187-207): RPQPQVTWLK[Gly197Glu]NVPLQPSARV

ClinVar aggregate classification (germline): Uncertain significance (1 of 4 stars; one submission).

Conditions:
Aortic aneurysm, familial thoracic 7 (AAT7). Also called: AORTIC DISSECTION, FAMILIAL, WITH OR WITHOUT AORTIC ANEURYSM. Identifiers: MedGen C3151077, MONDO:0013418, OMIM 613780.

Allele frequency attached by ClinVar (database versions not stated): TOPMed below 0.00001.

Submission:

Labcorp Genetics (formerly Invitae), Labcorp
Classification: Uncertain significance for Aortic aneurysm, familial thoracic 7. Last evaluated: 2023-10-28. Review status: criteria provided, single submitter. Criteria: Invitae Variant Classification Sherloc (09022015). Collection method: clinical testing. Allele origin: germline.
Comment: This sequence change replaces glycine, which is neutral and non-polar, with glutamic acid, which is acidic and polar, at codon 197 of the MYLK protein (p.Gly197Glu). This variant is not present in population databases (gnomAD no frequency). This variant has not been reported in the literature in individuals affected with MYLK-related conditions. Algorithms developed to predict the effect of missense changes on protein structure and function output the following: SIFT: "Not Available"; PolyPhen-2: "Benign"; Align-GVGD: "Not Available". The glutamic acid amino acid residue is found in multiple mammalian species, which suggests that this missense change does not adversely affect protein function. In summary, the available evidence is currently insufficient to determine the role of this variant in disease. Therefore, it has been classified as a Variant of Uncertain Significance.